The following is an entry in ClinVar:

ClinVar aggregate classification (germline): Uncertain significance (1 of 4 stars; one submission).

Conditions:
Bethlem myopathy 1A. Also called: Bethlem myopathy 1; MYOPATHY, BENIGN CONGENITAL, WITH CONTRACTURES; Bethlem Muscular Dystrophy. Identifiers: Orphanet 610, MedGen CN029274, MONDO:0024530, OMIM 158810.

gnomAD v4.1: 1 of 1,614,190 alleles (0.000062%); highest among the groups gnomAD compares: Non-Finnish European, 0.000085%; no homozygotes.

Submission:

Labcorp Genetics (formerly Invitae), Labcorp
Classification: Uncertain significance for Bethlem myopathy 1A. Last evaluated: 2023-04-26. Review status: criteria provided, single submitter. Criteria: Invitae Variant Classification Sherloc (09022015). Collection method: clinical testing. Allele origin: germline.
Comment: In summary, the available evidence is currently insufficient to determine the role of this variant in disease. Therefore, it has been classified as a Variant of Uncertain Significance. Advanced modeling of protein sequence and biophysical properties (such as structural, functional, and spatial information, amino acid conservation, physicochemical variation, residue mobility, and thermodynamic stability) performed at Invitae indicates that this missense variant is not expected to disrupt COL6A3 protein function. This variant has not been reported in the literature in individuals affected with COL6A3-related conditions. This variant is present in population databases (rs201917052, gnomAD 0.0009%). This sequence change replaces alanine, which is neutral and non-polar, with serine, which is neutral and polar, at codon 2909 of the COL6A3 protein (p.Ala2909Ser).

NM_004369.4(COL6A3):c.8725G>T (p.Ala2909Ser)

Gene: COL6A3 (collagen type VI alpha 3 chain; minus strand). Cytogenetic location: 2q37.3.
Variant type: single nucleotide variant.
Coding change: c.8725G>T on transcript NM_004369.4 (MANE Select); coding-DNA position 8725, G replaced by T.
Protein change: p.Ala2909Ser; replaces alanine 2909 with serine.
Molecular consequence: missense variant.
Genome position (GRCh38, 1-based): chr2:237,336,375, C>A on the plus strand (G>T on the coding strand, the complement: COL6A3 is on the minus strand). VCF-style: chr2-237336375-C-A. GRCh37 (hg19) VCF-style: chr2-238245018-C-A.
Other names: c.6904G>T, p.Ala2302Ser (NM_057166.5); c.8107G>T, p.Ala2703Ser (NM_057167.4); short protein forms A2302S, A2703S, A2909S.
Identifiers: ClinVar variation 2777432 (VCV002777432.3), dbSNP rs201917052, ClinGen allele CA2187458.